The following is an entry in ClinVar:

ClinVar aggregate classification (germline): Uncertain significance. Review status: criteria provided, multiple submitters, no conflicts (2 of 4 stars). 2 submissions from 2 submitters: Uncertain significance (2). Last evaluated 2022-06-20.

Conditions:
Fanconi anemia complementation group P. Also called: SLX4-Related Fanconi Anemia. Identifiers: Orphanet 84, MedGen C3469542, MONDO:0013499, OMIM 613951.
Fanconi anemia (FA). Also called: Fanconi's anemia. Identifiers: Orphanet 84, MedGen C0015625, MeSH D005199, MONDO:0019391.

Allele frequency attached by ClinVar (database versions not stated): gnomAD exomes below 0.00001.
gnomAD v4.1: 3 of 1,603,394 alleles (0.00019%); highest among the groups gnomAD compares: Non-Finnish European, 0.00026%; no homozygotes.

Submissions (2):

Labcorp Genetics (formerly Invitae), Labcorp
Classification: Uncertain significance for Fanconi anemia. Last evaluated: 2022-06-20. Review status: criteria provided, single submitter. Criteria: Invitae Variant Classification Sherloc (09022015). Collection method: clinical testing. Allele origin: germline.
Comment: In summary, the available evidence is currently insufficient to determine the role of this variant in disease. Therefore, it has been classified as a Variant of Uncertain Significance. Algorithms developed to predict the effect of missense changes on protein structure and function (SIFT, PolyPhen-2, Align-GVGD) all suggest that this variant is likely to be tolerated. ClinVar contains an entry for this variant (Variation ID: 654173). This variant has not been reported in the literature in individuals affected with SLX4-related conditions. This variant is not present in population databases (gnomAD no frequency). This sequence change replaces glutamic acid, which is acidic and polar, with lysine, which is basic and polar, at codon 1460 of the SLX4 protein (p.Glu1460Lys).

Fulgent Genetics
Classification: Uncertain significance for Fanconi anemia complementation group P. Last evaluated: 2021-12-29. Review status: criteria provided, single submitter. Criteria: ACMG Guidelines, 2015. Collection method: clinical testing. Allele origin: unknown.

NM_032444.4(SLX4):c.4378G>A (p.Glu1460Lys)

Gene: SLX4 (SLX4 structure-specific endonuclease subunit; minus strand). Cytogenetic location: 16p13.3.
Variant type: single nucleotide variant.
Coding change: c.4378G>A on transcript NM_032444.4 (MANE Select); coding-DNA position 4378, G replaced by A.
Protein change: p.Glu1460Lys; replaces glutamic acid 1460 with lysine.
Molecular consequence: missense variant.
Genome position (GRCh38, 1-based): chr16:3,589,260, C>T on the plus strand (G>A on the coding strand, the complement: SLX4 is on the minus strand). VCF-style: chr16-3589260-C-T. GRCh37 (hg19) VCF-style: chr16-3639261-C-T.
Other names: c.4378G>A (LRG_503t1); short protein forms E1460K.
Identifiers: ClinVar variation 654173 (VCV000654173.9), dbSNP rs749082427, ClinGen allele CA276958276.